The following is an entry in ClinVar:

ClinVar aggregate classification (germline): Uncertain significance (1 of 4 stars; one submission).

Conditions:
Spastic paraplegia. Identifiers: MedGen C0037772, HP:0001258.

Submission:

Labcorp Genetics (formerly Invitae), Labcorp
Classification: Uncertain significance for Spastic paraplegia. Last evaluated: 2022-01-15. Review status: criteria provided, single submitter. Criteria: Invitae Variant Classification Sherloc (09022015). Collection method: clinical testing. Allele origin: germline.
Comment: In summary, the available evidence is currently insufficient to determine the role of this variant in disease. Therefore, it has been classified as a Variant of Uncertain Significance. Advanced modeling of protein sequence and biophysical properties (such as structural, functional, and spatial information, amino acid conservation, physicochemical variation, residue mobility, and thermodynamic stability) performed at Invitae indicates that this missense variant is not expected to disrupt L1CAM protein function. This variant has not been reported in the literature in individuals affected with L1CAM-related conditions. This variant is not present in population databases (gnomAD no frequency). This sequence change replaces threonine, which is neutral and polar, with alanine, which is neutral and non-polar, at codon 467 of the L1CAM protein (p.Thr467Ala).

NM_001278116.2(L1CAM):c.1399A>G (p.Thr467Ala)

Gene: L1CAM (L1 cell adhesion molecule; minus strand). Cytogenetic location: Xq28.
Variant type: single nucleotide variant.
Coding change: c.1399A>G on transcript NM_001278116.2 (MANE Select); coding-DNA position 1399, A replaced by G.
Protein change: p.Thr467Ala; replaces threonine 467 with alanine.
Molecular consequence: missense variant.
Genome position (GRCh38, 1-based): chrX:153,868,708, T>C on the plus strand (A>G on the coding strand, the complement: L1CAM is on the minus strand). VCF-style: chrX-153868708-T-C. GRCh37 (hg19) VCF-style: chrX-153134163-T-C.
Other names: c.1399A>G, p.Thr467Ala (NM_000425.5, NM_024003.3); c.1384A>G, p.Thr462Ala (NM_001143963.2); short protein forms T462A, T467A.
Identifiers: ClinVar variation 2083948 (VCV002083948.4), dbSNP rs2521003556, ClinGen allele CA415126380.
Genomic context (GRCh38, chrX:153,868,708, plus strand): 5'-GGTCTCGAATGCCCAGGGTCCCATTGGCATAGGGGAAGAAGCGTTCGTCCTGAAGCACTG[T>C]TGTCCCATCCTCGTCCAGCCTGGAGGGAGCAGGGCGGGCCTGGCTCTGACTGGCTGGCCT-3'
Protein context (NP_001265045.1, residues 457-477): SVQWLDEDGT[Thr467Ala]VLQDERFFPY